The following is an entry in ClinVar:

NM_016938.5(EFEMP2):c.32C>G (p.Ser11Cys)

Gene: EFEMP2 (EGF-like fibulin extracellular matrix protein 2; minus strand). Cytogenetic location: 11q13.1.
Variant type: single nucleotide variant.
Coding change: c.32C>G on transcript NM_016938.5 (MANE Select); coding-DNA position 32, C replaced by G.
Protein change: p.Ser11Cys; replaces serine 11 with cysteine.
Molecular consequence: missense variant. On other transcripts: non-coding transcript variant (1).
Genome position (GRCh38, 1-based): chr11:65,872,323, G>C on the plus strand (C>G on the coding strand, the complement: EFEMP2 is on the minus strand). VCF-style: chr11-65872323-G-C. GRCh37 (hg19) VCF-style: chr11-65639794-G-C.
Other names: short protein forms S11C.
Identifiers: ClinVar variation 1439563 (VCV001439563.6), dbSNP rs2134753788, ClinGen allele CA381311617.
Genomic context (GRCh38, chr11:65,872,323, plus strand): 5'-TCAGAATCCTGAGGAGAAGCTGATCCCAAGAGCAACAGTAGCAGCGCCCAGAGCAGTAGA[G>C]ACCCGGGTAGGCAGGAGGCGCAGGGGAGCATCCTGGGGCTGCGAGATGGTGGACACGGGT-3'
Protein context (NP_058634.4, residues 1-21): MLPCASCLPG[Ser11Cys]LLLWALLLLL

ClinVar aggregate classification (germline): Uncertain significance (1 of 4 stars; one submission).

Conditions:
Cutis laxa, autosomal recessive, type 1B (ARCL1B). Also called: EFEMP2-Related Cutis Laxa; CUTIS LAXA, AUTOSOMAL RECESSIVE, TYPE IB. Identifiers: Orphanet 90349, MedGen C3280798, MONDO:0013754, OMIM 614437. Disease mechanism: loss of function.

Allele frequency attached by ClinVar (database versions not stated): gnomAD exomes below 0.00001.
gnomAD v4.1: 1 of 1,551,710 alleles (0.000064%); highest among the groups gnomAD compares: Non-Finnish European, 0.000087%; no homozygotes.

Submission:

Labcorp Genetics (formerly Invitae), Labcorp
Classification: Uncertain significance for Cutis laxa, autosomal recessive, type 1B. Last evaluated: 2021-08-15. Review status: criteria provided, single submitter. Criteria: Invitae Variant Classification Sherloc (09022015). Collection method: clinical testing. Allele origin: germline.
Comment: This sequence change replaces serine with cysteine at codon 11 of the EFEMP2 protein (p.Ser11Cys). The serine residue is highly conserved and there is a moderate physicochemical difference between serine and cysteine. This variant is not present in population databases (ExAC no frequency). This variant has not been reported in the literature in individuals affected with EFEMP2-related conditions. Algorithms developed to predict the effect of missense changes on protein structure and function are either unavailable or do not agree on the potential impact of this missense change (SIFT: "Deleterious"; PolyPhen-2: "Possibly Damaging"; Align-GVGD: "Class C0"). In summary, the available evidence is currently insufficient to determine the role of this variant in disease. Therefore, it has been classified as a Variant of Uncertain Significance.